The following is an entry in ClinVar:

ClinVar aggregate classification (germline): Uncertain significance (1 of 4 stars; one submission).

Conditions:
Salla disease (SD). Also called: Less Severe FSASD (Salla Disease); Sialuria, Finnish type; N-acetylneuraminic acid (NANA) storage disease (NSD); Infantile sialic acid storage disorder (ISSD). Identifiers: Orphanet 309334, Orphanet 834, MedGen C1096903, MONDO:0011449, OMIM 604369.

Allele frequency attached by ClinVar (database versions not stated): gnomAD exomes below 0.00001.

Submission:

Labcorp Genetics (formerly Invitae), Labcorp
Classification: Uncertain significance for Salla disease. Last evaluated: 2025-11-24. Review status: criteria provided, single submitter. Criteria: Invitae Variant Classification Sherloc (09022015). Collection method: clinical testing. Allele origin: germline.
Comment: This sequence change replaces proline, which is neutral and non-polar, with histidine, which is basic and polar, at codon 89 of the SLC17A5 protein (p.Pro89His). This variant is not present in population databases (gnomAD no frequency). This variant has not been reported in the literature in individuals affected with SLC17A5-related conditions. ClinVar contains an entry for this variant (Variation ID: 1931561). Invitae Evidence Modeling of protein sequence and biophysical properties (such as structural, functional, and spatial information, amino acid conservation, physicochemical variation, residue mobility, and thermodynamic stability) has been performed for this missense variant. However, the output from this modeling did not meet the statistical confidence thresholds required to predict the impact of this variant on SLC17A5 protein function. In summary, the available evidence is currently insufficient to determine the role of this variant in disease. Therefore, it has been classified as a Variant of Uncertain Significance.

NM_012434.5(SLC17A5):c.266C>A (p.Pro89His)

Gene: SLC17A5 (solute carrier family 17 member 5; minus strand). Cytogenetic location: 6q13.
Variant type: single nucleotide variant.
Coding change: c.266C>A on transcript NM_012434.5 (MANE Select); coding-DNA position 266, C replaced by A.
Protein change: p.Pro89His; replaces proline 89 with histidine.
Molecular consequence: missense variant. On other transcripts: intron variant (2).
Genome position (GRCh38, 1-based): chr6:73,644,432, G>T on the plus strand (C>A on the coding strand, the complement: SLC17A5 is on the minus strand). VCF-style: chr6-73644432-G-T. GRCh37 (hg19) VCF-style: chr6-74354155-G-T.
Other names: c.266C>A, p.Pro89His (NM_001382630.1, NM_001382632.1, NM_001382633.1 and 2 more transcripts); c.287C>A, p.Pro96His (NM_001382631.1); c.61-2508C>A (NM_001382636.1, NM_001382629.1); short protein forms P89H, P96H.
Identifiers: ClinVar variation 1931561 (VCV001931561.5), dbSNP rs891185945, ClinGen allele CA140977858.